The following is an entry in ClinVar:

ClinVar aggregate classification (germline): Uncertain significance. Review status: criteria provided, multiple submitters, no conflicts (2 of 4 stars). 2 submissions from 2 submitters: Uncertain significance (2). Last evaluated 2025-05-27.

Conditions:
Hereditary cancer-predisposing syndrome. Also called: Neoplastic Syndromes, Hereditary; Tumor predisposition; Hereditary Cancer Syndrome; Hereditary neoplastic syndrome. Identifiers: Orphanet 140162, MedGen C0027672, MeSH D009386, MONDO:0015356.

Allele frequency attached by ClinVar (database versions not stated): TOPMed 0.00002.
gnomAD v4.1: 6 of 1,613,964 alleles (0.00037%); highest among the groups gnomAD compares: Non-Finnish European, 0.00034%; no homozygotes.

Submissions (2):

Labcorp Genetics (formerly Invitae), Labcorp
Classification: Uncertain significance. Last evaluated: 2025-05-27. Review status: criteria provided, single submitter. Criteria: Invitae Variant Classification Sherloc (09022015). Collection method: clinical testing. Allele origin: germline.
Comment: This sequence change replaces arginine, which is basic and polar, with leucine, which is neutral and non-polar, at codon 224 of the MSH3 protein (p.Arg224Leu). This variant is present in population databases (rs772141055, gnomAD 0.003%). This variant has not been reported in the literature in individuals affected with MSH3-related conditions. ClinVar contains an entry for this variant (Variation ID: 641016). An algorithm developed to predict the effect of missense changes on protein structure and function (PolyPhen-2) suggests that this variant is likely to be disruptive. In summary, the available evidence is currently insufficient to determine the role of this variant in disease. Therefore, it has been classified as a Variant of Uncertain Significance.

Ambry Genetics
Classification: Uncertain significance for Hereditary cancer-predisposing syndrome. Last evaluated: 2024-11-20. Review status: criteria provided, single submitter. Criteria: Ambry Variant Classification Scheme 2023. Collection method: clinical testing. Allele origin: germline.
Comment: The p.R224L variant (also known as c.671G>T), located in coding exon 4 of the MSH3 gene, results from a G to T substitution at nucleotide position 671. The arginine at codon 224 is replaced by leucine, an amino acid with dissimilar properties. This amino acid position is highly conserved in available vertebrate species. In addition, the in silico prediction for this alteration is inconclusive. Since supporting evidence is limited at this time, the clinical significance of this alteration remains unclear.

NM_002439.5(MSH3):c.671G>T (p.Arg224Leu)

Gene: MSH3 (mutS homolog 3; plus strand). Cytogenetic location: 5q14.1.
Variant type: single nucleotide variant.
Coding change: c.671G>T on transcript NM_002439.5 (MANE Select); coding-DNA position 671, G replaced by T.
Protein change: p.Arg224Leu; replaces arginine 224 with leucine.
Molecular consequence: missense variant.
Genome position (GRCh38, 1-based): chr5:80,670,188, G>T. VCF-style: chr5-80670188-G-T. GRCh37 (hg19) VCF-style: chr5-79966007-G-T.
Other names: short protein forms R224L.
Identifiers: ClinVar variation 641016 (VCV000641016.12), dbSNP rs772141055, ClinGen allele CA3327671.